The following is an entry in ClinVar:

NR_003051.3(RMRP):n.-18_-7dupCTGTGAAGCTGA

Gene: RMRP (RNA component of mitochondrial RNA processing endoribonuclease; minus strand). Cytogenetic location: 9p13.3.
Variant type: Duplication.
Genome position: GRCh38 VCF-style: chr9-35658024-C-CTCAGCTTCACAG. GRCh37 (hg19) VCF-style: chr9-35658021-C-CTCAGCTTCACAG.
Identifiers: ClinVar variation 553115 (VCV000553115.2), dbSNP rs1554651466, ClinGen allele CA658821602.

ClinVar aggregate classification (germline): Likely pathogenic. Review status: criteria provided, single submitter (1 of 4 stars). 2 submissions from 2 submitters: Likely pathogenic (1). 1 of the submissions does not count toward it. Last evaluated 2025-12-05.

Conditions:
Metaphyseal chondrodysplasia, McKusick type (CHH). Also called: Cartilage-hair hypoplasia; Cartilage-Hair Hypoplasia (CHH). Identifiers: Orphanet 175, MedGen C0220748, MONDO:0009595, OMIM 250250.

Submissions (2):

Natera, Inc.
Classification: Likely pathogenic for Cartilage-hair hypoplasia. Last evaluated: 2025-12-05. Review status: criteria provided, single submitter. Criteria: Natera Variant Classification Schema (03/2026). Collection method: clinical testing. Allele origin: germline.
Comment: The n.-18_-7dupCTGTGAAGCTGA variant in RMRP is a duplication affecting the RMRP promoter region between the TATA box and the transcription initiation site. Other duplications and insertions just upstream of the transcription initiation site have been reported in individuals affected with cartilage-hair hypoplasia (PMID: 11207361, 17937437). This variant is rare in the general population with a frequency below the threshold expected for the associated phenotype(s). Given the available evidence, this variant is classified as Likely pathogenic.

Counsyl
Classification: Likely pathogenic for Metaphyseal chondrodysplasia, McKusick type. Last evaluated: 2017-07-28. Review status: no assertion criteria provided. Collection method: clinical testing. Allele origin: unknown. Not counted in ClinVar's aggregate classification.

Literature cited by the submitters: PubMed 11207361 (cited by Natera, Inc. and Counsyl); PubMed 17937437 (cited by Natera, Inc. and Counsyl); PubMed 16254002 (cited by Counsyl); PubMed 14608646 (cited by Counsyl).